The following is an entry in ClinVar:

ClinVar aggregate classification (germline): Conflicting classifications of pathogenicity. Review status: criteria provided, conflicting classifications (1 of 4 stars). 2 submissions from 2 submitters: Likely pathogenic (1); Uncertain significance (1). Last evaluated 2022-07-18.

Submissions (2):

Labcorp Genetics (formerly Invitae), Labcorp
Classification: Uncertain significance. Last evaluated: 2022-07-18. Review status: criteria provided, single submitter. Criteria: Invitae Variant Classification Sherloc (09022015). Collection method: clinical testing. Allele origin: germline.
Comment: In summary, the available evidence is currently insufficient to determine the role of this variant in disease. Therefore, it has been classified as a Variant of Uncertain Significance. Algorithms developed to predict the effect of missense changes on protein structure and function (SIFT, PolyPhen-2, Align-GVGD) all suggest that this variant is likely to be disruptive. ClinVar contains an entry for this variant (Variation ID: 546073). This missense change has been observed in individual(s) with nervous system abnormalities (PMID: 26633542). This variant is not present in population databases (gnomAD no frequency). This sequence change replaces serine, which is neutral and polar, with leucine, which is neutral and non-polar, at codon 163 of the LIPT1 protein (p.Ser163Leu).

GeneDx
Classification: Likely pathogenic. Last evaluated: 2018-05-16. Review status: criteria provided, single submitter. Criteria: GeneDx Variant Classification (06012015). Collection method: clinical testing. Allele origin: germline. Affected: yes.
Comment: The S163L variant in the LIPT1 gene has been reported previously in an individual with abnormalities of the nervous system (Retterer et al., 2016). This variant is not observed in large population cohorts (Lek et al., 2016). The S163L variant is a non-conservative amino acid substitution, which is likely to impact secondary protein structure as these residues differ in polarity, charge, size and/or other properties. In-silico analyses, including protein predictors and evolutionary conservation, support a deleterious effect. We interpret S163L as a likely pathogenic variant.

Literature cited by the submitters: PubMed 26633542 (cited by Labcorp Genetics (formerly Invitae), Labcorp).

NM_145199.3(LIPT1):c.488C>T (p.Ser163Leu)

Genes: LIPT1 (lipoyltransferase 1; plus strand), MITD1 (microtubule interacting and trafficking domain containing 1; minus strand). Cytogenetic location: 2q11.2.
Variant type: single nucleotide variant.
Coding change: c.488C>T on transcript NM_145199.3 (MANE Select); coding-DNA position 488, C replaced by T.
Protein change: p.Ser163Leu; replaces serine 163 with leucine.
Molecular consequence: missense variant. On other transcripts: non-coding transcript variant (2).
Genome position (GRCh38, 1-based): chr2:99,162,445, C>T. VCF-style: chr2-99162445-C-T. GRCh37 (hg19) VCF-style: chr2-99778908-C-T.
Other names: c.488C>T, p.Ser163Leu (NM_001204830.2, NM_015929.4, NM_145197.3 and 1 more transcripts); short protein forms S163L.
Identifiers: ClinVar variation 546073 (VCV000546073.8), dbSNP rs1553515438, ClinGen allele CA347852993.